The following is an entry in ClinVar:

NM_018451.5(CPAP):c.2676_2680del (p.Ser892fs)

Gene: CPAP (centrosome assembly and centriole elongation protein; minus strand). Cytogenetic location: 13q12.13.
Variant type: Deletion.
Coding change: c.2676_2680del on transcript NM_018451.5 (MANE Select); coding-DNA positions 2676 to 2680, 5 bases deleted (TCAAG; older notation c.2676_2680delTCAAG).
Protein change: p.Ser892fs; shifts the reading frame from serine 892.
Molecular consequence: frameshift variant. On other transcripts: non-coding transcript variant (2).
Genome position (GRCh38, 1-based): chr13:24,905,358-24,905,362, CTTGA deleted on the plus strand (TCAAG on the coding strand, the reverse complement: CPAP is on the minus strand); deleting any 5 consecutive bases within chr13:24,905,358-24,905,365 gives the same sequence; the c. name uses the placement nearest the transcript's 3' end. VCF-style (leftmost placement, unchanged base first): chr13-24905357-TCTTGA-T. GRCh37 (hg19) VCF-style: chr13-25479495-TCTTGA-T.
Other names: short protein forms S892fs.
Identifiers: ClinVar variation 5005235 (VCV005005235.2).
Genomic context (GRCh38, chr13:24,905,357, plus strand): 5'-TGTTAAATTTCTAACATTCTGATACATATTTTATAATGCTCTGACTCACCAGGTGGTTGG[TCTTGA>T]CTTATGTTTAACTTGAGTTCATTTCCCAAGTGTGAATCTGACTTTGGTTTTGGTTTCAAA-3'

ClinVar aggregate classification (germline): Likely pathogenic (1 of 4 stars; one submission).

Conditions:
Seckel syndrome 4 (SCKL4). Identifiers: Orphanet 808, MedGen C3888212, MONDO:0013358, OMIM 613676.
Microcephaly 6, primary, autosomal recessive. Identifiers: Orphanet 2512, MedGen C1842109, MONDO:0012029, OMIM 608393.

Submission:

Juno Genomics, Hangzhou Juno Genomics, Inc
Classification: Likely pathogenic for Seckel syndrome 4; Microcephaly 6, primary, autosomal recessive. Review status: criteria provided, single submitter. Criteria: ACMG Guidelines, 2015. Collection method: clinical testing. Allele origin: germline.
Comment: Null variant in a gene where loss of function (LOF) is a known mechanism of disease.;Absent from controls (or at extremely low frequency if recessive) in Genome Aggregation Database.